The following is an entry in ClinVar:

NM_001111.5(ADAR):c.2785A>C (p.Lys929Gln)

Gene: ADAR (adenosine deaminase RNA specific; minus strand). Cytogenetic location: 1q21.3.
Variant type: single nucleotide variant.
Coding change: c.2785A>C on transcript NM_001111.5 (MANE Select); coding-DNA position 2785, A replaced by C.
Protein change: p.Lys929Gln; replaces lysine 929 with glutamine.
Molecular consequence: missense variant.
Genome position (GRCh38, 1-based): chr1:154,588,651, T>G on the plus strand (A>C on the coding strand, the complement: ADAR is on the minus strand). VCF-style: chr1-154588651-T-G. GRCh37 (hg19) VCF-style: chr1-154561127-T-G.
Other names: c.1900A>C, p.Lys634Gln (NM_001025107.3, NM_001193495.2, NM_001365046.1 and 2 more transcripts); c.2812A>C, p.Lys938Gln (NM_001365045.1); c.1822A>C, p.Lys608Gln (NM_001365049.1); c.2707A>C, p.Lys903Gln (NM_015840.4); c.2650A>C, p.Lys884Gln (NM_015841.4); short protein forms K929Q, K938Q, K608Q, K634Q, K884Q, K903Q.
Identifiers: ClinVar variation 948683 (VCV000948683.10), dbSNP rs1696926150, ClinGen allele CA342636455.
Genomic context (GRCh38, chr1:154,588,651, plus strand): 5'-GCTTTTCTCCTCCCTTAGCAGGTTCAAATATACTATCCTTCGCAGTCTGGGAGTTGTATT[T>G]CATTAACTCACTGTAGAGAAACCTACAAAAAGAAAGTCTGGTTAGGAAGGCAGGTTCAAT-3'
Protein context (NP_001102.3, residues 919-939): FIRFLYSELM[Lys929Gln]YNSQTAKDSI

ClinVar aggregate classification (germline): Uncertain significance. Review status: criteria provided, multiple submitters, no conflicts (2 of 4 stars). 3 submissions from 3 submitters: Uncertain significance (3). Last evaluated 2024-09-24.

Conditions:
Inborn genetic diseases. Identifiers: MedGen C0950123, MeSH D030342.
Symmetrical dyschromatosis of extremities (DSH). Also called: RETICULATE ACROPIGMENTATION OF DOHI; SYMMETRIC DYSCHROMATOSIS OF THE EXTREMITIES; DYSCHROMATOSIS SYMMETRICA HEREDITARIA 1; Dyschromatosis symmetrica hereditaria. Identifiers: Orphanet 41, MedGen C0406775, MONDO:0007483, OMIM 127400.
Aicardi-Goutieres syndrome 6 (AGS6). Identifiers: Orphanet 51, MedGen C3539013, MONDO:0014007, OMIM 615010.

Allele frequency attached by ClinVar (database versions not stated): gnomAD exomes below 0.00001.
gnomAD v4.1: 1 of 1,614,246 alleles (0.000062%); highest among the groups gnomAD compares: Non-Finnish European, 0.000085%; no homozygotes.

Submissions (3):

Ambry Genetics
Classification: Uncertain significance for Inborn genetic diseases. Last evaluated: 2024-09-24. Review status: criteria provided, single submitter. Criteria: Ambry Variant Classification Scheme 2023. Collection method: clinical testing. Allele origin: germline.

Labcorp Genetics (formerly Invitae), Labcorp
Classification: Uncertain significance for Aicardi-Goutieres syndrome 6; Symmetrical dyschromatosis of extremities. Last evaluated: 2024-02-17. Review status: criteria provided, single submitter. Criteria: Invitae Variant Classification Sherloc (09022015). Collection method: clinical testing. Allele origin: germline.
Comment: This sequence change replaces lysine, which is basic and polar, with glutamine, which is neutral and polar, at codon 929 of the ADAR protein (p.Lys929Gln). This variant is not present in population databases (gnomAD no frequency). This variant has not been reported in the literature in individuals affected with ADAR-related conditions. ClinVar contains an entry for this variant (Variation ID: 948683). Advanced modeling of protein sequence and biophysical properties (such as structural, functional, and spatial information, amino acid conservation, physicochemical variation, residue mobility, and thermodynamic stability) performed at Invitae indicates that this missense variant is not expected to disrupt ADAR protein function with a negative predictive value of 80%. In summary, the available evidence is currently insufficient to determine the role of this variant in disease. Therefore, it has been classified as a Variant of Uncertain Significance.

Blueprint Genetics
Classification: Uncertain significance. Last evaluated: 2018-09-24. Review status: criteria provided, single submitter. Criteria: ACMG Guidelines, 2015. Collection method: clinical testing. Allele origin: germline.